The following is an entry in ClinVar:

NM_001378609.3(OTOGL):c.3476A>T (p.Asn1159Ile)

Gene: OTOGL (otogelin like; plus strand). Cytogenetic location: 12q21.31.
Variant type: single nucleotide variant.
Coding change: c.3476A>T on transcript NM_001378609.3 (MANE Select); coding-DNA position 3476, A replaced by T.
Protein change: p.Asn1159Ile; replaces asparagine 1159 with isoleucine.
Molecular consequence: missense variant.
Genome position (GRCh38, 1-based): chr12:80,313,501, A>T. VCF-style: chr12-80313501-A-T. GRCh37 (hg19) VCF-style: chr12-80707281-A-T.
Other names: c.3449A>T (NM_173591.3); c.3341A>T, p.Asn1114Ile (NM_001368062.3); c.3476A>T, p.Asn1159Ile (NM_001378610.3, NM_173591.7); short protein forms N1159I, N1114I.
Identifiers: ClinVar variation 1980966 (VCV001980966.6), dbSNP rs759050276, ClinGen allele CA6701094.

ClinVar aggregate classification (germline): Uncertain significance. Review status: criteria provided, multiple submitters, no conflicts (2 of 4 stars). 3 submissions from 3 submitters: Uncertain significance (3). Last evaluated 2025-05-12.

Conditions:
Inborn genetic diseases. Identifiers: MedGen C0950123, MeSH D030342.

Allele frequency attached by ClinVar (database versions not stated): TOPMed below 0.00001; ExAC 0.00001; gnomAD 0.00001.
gnomAD v4.1: 14 of 1,612,134 alleles (0.00087%); highest among the groups gnomAD compares: Middle Eastern, 0.016%; no homozygotes.

Submissions (3):

Labcorp Genetics (formerly Invitae), Labcorp
Classification: Uncertain significance. Last evaluated: 2025-05-12. Review status: criteria provided, single submitter. Criteria: Invitae Variant Classification Sherloc (09022015). Collection method: clinical testing. Allele origin: germline.
Comment: This sequence change replaces asparagine, which is neutral and polar, with isoleucine, which is neutral and non-polar, at codon 1150 of the OTOGL protein (p.Asn1150Ile). This variant is present in population databases (rs759050276, gnomAD no frequency). This variant has not been reported in the literature in individuals affected with OTOGL-related conditions. ClinVar contains an entry for this variant (Variation ID: 1980966). An algorithm developed to predict the effect of missense changes on protein structure and function (PolyPhen-2) suggests that this variant is likely to be disruptive. In summary, the available evidence is currently insufficient to determine the role of this variant in disease. Therefore, it has been classified as a Variant of Uncertain Significance.

Ambry Genetics
Classification: Uncertain significance for Inborn genetic diseases. Last evaluated: 2025-01-23. Review status: criteria provided, single submitter. Criteria: Ambry Variant Classification Scheme 2023. Collection method: clinical testing. Allele origin: germline.

Blueprint Genetics
Classification: Uncertain significance. Last evaluated: 2024-08-13. Review status: criteria provided, single submitter. Criteria: ACMG Guidelines, 2015. Collection method: clinical testing. Allele origin: germline.